The following is an entry in ClinVar:

ClinVar aggregate classification (germline): Uncertain significance. Review status: criteria provided, multiple submitters, no conflicts (2 of 4 stars). 2 submissions from 2 submitters: Uncertain significance (2). Last evaluated 2023-05-21.

Conditions:
Hereditary nonpolyposis colorectal neoplasms. Identifiers: MedGen C0009405, MeSH D003123.
Hereditary cancer-predisposing syndrome. Also called: Neoplastic Syndromes, Hereditary; Tumor predisposition; Hereditary neoplastic syndrome; Hereditary Cancer Syndrome. Identifiers: Orphanet 140162, MedGen C0027672, MeSH D009386, MONDO:0015356.

Submissions (2):

Ambry Genetics
Classification: Uncertain significance for Hereditary cancer-predisposing syndrome. Last evaluated: 2023-05-21. Review status: criteria provided, single submitter. Criteria: Ambry Variant Classification Scheme 2023. Collection method: clinical testing. Allele origin: germline.
Comment: The p.V231I variant (also known as c.691G>A), located in coding exon 4 of the MSH6 gene, results from a G to A substitution at nucleotide position 691. The valine at codon 231 is replaced by isoleucine, an amino acid with highly similar properties. This amino acid position is poorly conserved in available vertebrate species. In addition, this alteration is predicted to be tolerated by in silico analysis. In addition, the CoDP in silico tool predicts this alteration will have a minor impact on molecular function, with a score of 0.000 (Terui H et al. J. Biomed. Sci. 2013 Apr;20:25). Since supporting evidence is limited at this time, the clinical significance of this alteration remains unclear.

Labcorp Genetics (formerly Invitae), Labcorp
Classification: Uncertain significance for Hereditary nonpolyposis colorectal neoplasms. Last evaluated: 2022-02-28. Review status: criteria provided, single submitter. Criteria: Invitae Variant Classification Sherloc (09022015). Collection method: clinical testing. Allele origin: germline.
Comment: In summary, the available evidence is currently insufficient to determine the role of this variant in disease. Therefore, it has been classified as a Variant of Uncertain Significance. Advanced modeling of protein sequence and biophysical properties (such as structural, functional, and spatial information, amino acid conservation, physicochemical variation, residue mobility, and thermodynamic stability) performed at Invitae indicates that this missense variant is not expected to disrupt MSH6 protein function. ClinVar contains an entry for this variant (Variation ID: 826704). This variant has not been reported in the literature in individuals affected with MSH6-related conditions. This variant is not present in population databases (gnomAD no frequency). This sequence change replaces valine, which is neutral and non-polar, with isoleucine, which is neutral and non-polar, at codon 231 of the MSH6 protein (p.Val231Ile).

NM_000179.3(MSH6):c.691G>A (p.Val231Ile)

Gene: MSH6 (mutS homolog 6; plus strand). Cytogenetic location: 2p16.3.
Variant type: single nucleotide variant.
Coding change: c.691G>A on transcript NM_000179.3 (MANE Select); coding-DNA position 691, G replaced by A.
Protein change: p.Val231Ile; replaces valine 231 with isoleucine.
Molecular consequence: missense variant. On other transcripts: 5 prime UTR variant (2).
Genome position (GRCh38, 1-based): chr2:47,798,674, G>A. VCF-style: chr2-47798674-G-A. GRCh37 (hg19) VCF-style: chr2-48025813-G-A.
Other names: c.301G>A, p.Val101Ile (NM_001281492.2); c.-216G>A (NM_001281493.2, NM_001281494.2); short protein forms V101I, V231I.
Identifiers: ClinVar variation 826704 (VCV000826704.10), dbSNP rs1572719960, ClinGen allele CA346739932.